The following is an entry in ClinVar:

NM_000038.6(APC):c.4705G>A (p.Asp1569Asn)

Gene: APC (APC regulator of Wnt signaling pathway; plus strand). Cytogenetic location: 5q22.2.
Variant type: single nucleotide variant.
Coding change: c.4705G>A on transcript NM_000038.6 (MANE Select); coding-DNA position 4705, G replaced by A.
Protein change: p.Asp1569Asn; replaces aspartic acid 1569 with asparagine.
Molecular consequence: missense variant.
Genome position (GRCh38, 1-based): chr5:112,840,299, G>A. VCF-style: chr5-112840299-G-A. GRCh37 (hg19) VCF-style: chr5-112175996-G-A.
Other names: c.4705G>A, p.Asp1569Asn (NM_001127510.3, NM_001354895.2); c.4651G>A, p.Asp1551Asn (NM_001127511.3); c.4759G>A, p.Asp1587Asn (NM_001354896.2); c.4735G>A, p.Asp1579Asn (NM_001354897.2); c.4630G>A, p.Asp1544Asn (NM_001354898.2); c.4621G>A, p.Asp1541Asn (NM_001354899.2); c.4582G>A, p.Asp1528Asn (NM_001354900.2); c.4528G>A, p.Asp1510Asn (NM_001354901.2); and 5 more; short protein forms D1551N, D1569N, D1468N, D1544N, D1587N, D1409N, D1443N, D1510N.
Identifiers: ClinVar variation 233934 (VCV000233934.6), dbSNP rs876660740, ClinGen allele CA10578379.
Genomic context (GRCh38, chr5:112,840,299, plus strand): 5'-CAAGAGAAAGAGGCAGAAAAAACTATTGATTCTGAAAAGGACCTATTAGATGATTCAGAT[G>A]ATGATGATATTGAAATACTAGAAGAATGTATTATTTCTGCCATGCCAACAAAGTCATCAC-3'
Protein context (NP_000029.2, residues 1559-1579): SEKDLLDDSD[Asp1569Asn]DDIEILEECI

ClinVar aggregate classification (germline): Uncertain significance (1 of 4 stars; one submission).

Conditions:
Hereditary cancer-predisposing syndrome. Also called: Neoplastic Syndromes, Hereditary; Tumor predisposition; Hereditary Cancer Syndrome; Hereditary neoplastic syndrome. Identifiers: Orphanet 140162, MedGen C0027672, MeSH D009386, MONDO:0015356.

Submission:

Ambry Genetics
Classification: Uncertain significance for Hereditary cancer-predisposing syndrome. Last evaluated: 2024-11-21. Review status: criteria provided, single submitter. Criteria: Ambry Variant Classification Scheme 2023. Collection method: clinical testing. Allele origin: germline.
Comment: The p.D1569N variant (also known as c.4705G>A), located in coding exon 15 of the APC gene, results from a G to A substitution at nucleotide position 4705. The aspartic acid at codon 1569 is replaced by asparagine, an amino acid with highly similar properties. Missense alterations in APC are not a common cause of disease (Spier I et al. Genet Med. 2024 Feb;26(2):100992). This amino acid position is well conserved in available vertebrate species. In addition, in silico predictors for this gene do not accurately predict pathogenicity. Based on the available evidence, the clinical significance of this variant remains unclear.